The following is an entry in ClinVar:

ClinVar aggregate classification (germline): Uncertain significance. Review status: criteria provided, multiple submitters, no conflicts (2 of 4 stars). 5 submissions from 5 submitters: Uncertain significance (5). Last evaluated 2025-05-17.

Conditions:
Juvenile polyposis syndrome (JPS). Identifiers: Orphanet 2929, MedGen C0345893, MONDO:0017380, OMIM 174900.
Hereditary cancer-predisposing syndrome. Also called: Neoplastic Syndromes, Hereditary; Hereditary Cancer Syndrome; Hereditary neoplastic syndrome; Tumor predisposition. Identifiers: Orphanet 140162, MedGen C0027672, MeSH D009386, MONDO:0015356.
Polyposis syndrome, hereditary mixed, 2. Identifiers: Orphanet 157794, MedGen C1864730, MONDO:0012405, OMIM 610069.

Allele frequency attached by ClinVar (database versions not stated): gnomAD 0.00001; TOPMed 0.00002.
gnomAD v4.1: 2 of 1,613,802 alleles (0.00012%); highest among the groups gnomAD compares: Admixed American, 0.0033%; no homozygotes.

Submissions (5):

Labcorp Genetics (formerly Invitae), Labcorp
Classification: Uncertain significance for Juvenile polyposis syndrome. Last evaluated: 2025-05-17. Review status: criteria provided, single submitter. Criteria: Invitae Variant Classification Sherloc (09022015). Collection method: clinical testing. Allele origin: germline.
Comment: This sequence change replaces isoleucine, which is neutral and non-polar, with leucine, which is neutral and non-polar, at codon 169 of the BMPR1A protein (p.Ile169Leu). This variant is not present in population databases (gnomAD no frequency). This variant has not been reported in the literature in individuals affected with BMPR1A-related conditions. ClinVar contains an entry for this variant (Variation ID: 850582). Invitae Evidence Modeling incorporating data from in vitro experimental studies (internal data) indicates that this missense variant is not expected to disrupt BMPR1A function with a negative predictive value of 95%. In summary, the available evidence is currently insufficient to determine the role of this variant in disease. Therefore, it has been classified as a Variant of Uncertain Significance.

Ambry Genetics
Classification: Uncertain significance for Hereditary cancer-predisposing syndrome. Last evaluated: 2024-10-28. Review status: criteria provided, single submitter. Criteria: Ambry Variant Classification Scheme 2023. Collection method: clinical testing. Allele origin: germline.
Comment: The p.I169L variant (also known as c.505A>C), located in coding exon 5 of the BMPR1A gene, results from an A to C substitution at nucleotide position 505. The isoleucine at codon 169 is replaced by leucine, an amino acid with highly similar properties. This amino acid position is not well conserved in available vertebrate species. In addition, this alteration is predicted to be tolerated by in silico analysis. Since supporting evidence is limited at this time, the clinical significance of this alteration remains unclear.

Color Diagnostics, LLC DBA Color Health
Classification: Uncertain significance for Hereditary cancer-predisposing syndrome. Last evaluated: 2024-03-06. Review status: criteria provided, single submitter. Criteria: ACMG Guidelines, 2015. Collection method: clinical testing. Allele origin: germline.
Comment: This missense variant replaces isoleucine with leucine at codon 169 of the BMPR1A protein. Computational prediction suggests that this variant may not impact protein structure and function (internally defined REVEL score threshold <= 0.5, PMID: 27666373). To our knowledge, functional studies have not been reported for this variant. This variant has not been reported in individuals affected with BMPR1A-related disorders in the literature. This variant has not been identified in the general population by the Genome Aggregation Database (gnomAD). The available evidence is insufficient to determine the role of this variant in disease conclusively. Therefore, this variant is classified as a Variant of Uncertain Significance.

All of Us Research Program, National Institutes of Health
Classification: Uncertain significance for Juvenile polyposis syndrome. Last evaluated: 2023-12-01. Review status: criteria provided, single submitter. Criteria: ACMG Guidelines, 2015. Collection method: clinical testing. Allele origin: germline. Inheritance: Autosomal dominant inheritance. Observed: 3 variant alleles, 3 heterozygotes.
Comment: This missense variant replaces isoleucine with leucine at codon 169 of the BMPR1A protein. Computational prediction suggests that this variant may not impact protein structure and function (internally defined REVEL score threshold <= 0.5, PMID: 27666373). To our knowledge, functional studies have not been reported for this variant. This variant has not been reported in individuals affected with BMPR1A-related disorders in the literature. This variant has not been identified in the general population by the Genome Aggregation Database (gnomAD). The available evidence is insufficient to determine the role of this variant in disease conclusively. Therefore, this variant is classified as a Variant of Uncertain Significance.

This study involves interpretation of variants in research participants for the purpose of population health screening. Participant phenotype was not available at the time of variant classification. Additional details can be found in publication PMID: 35346344, PMCID: PMC8962531

Baylor Genetics
Classification: Uncertain significance for Polyposis syndrome, hereditary mixed, 2. Last evaluated: 2023-08-09. Review status: criteria provided, single submitter. Criteria: ACMG Guidelines, 2015. Collection method: clinical testing. Allele origin: unknown.

NM_004329.3(BMPR1A):c.505A>C (p.Ile169Leu)

Gene: BMPR1A (bone morphogenetic protein receptor type 1A; plus strand). Cytogenetic location: 10q23.2.
Variant type: single nucleotide variant.
Coding change: c.505A>C on transcript NM_004329.3 (MANE Select); coding-DNA position 505, A replaced by C.
Protein change: p.Ile169Leu; replaces isoleucine 169 with leucine.
Molecular consequence: missense variant.
Genome position (GRCh38, 1-based): chr10:86,900,101, A>C. VCF-style: chr10-86900101-A-C. GRCh37 (hg19) VCF-style: chr10-88659858-A-C.
Other names: short protein forms I169L.
Identifiers: ClinVar variation 850582 (VCV000850582.17), dbSNP rs878854668, ClinGen allele CA377450612.